The following is an entry in ClinVar:

ClinVar aggregate classification (germline): Uncertain significance (1 of 4 stars; one submission).

Conditions:
Hereditary hemorrhagic telangiectasia (HHT). Also called: ORW DISEASE; Osler Weber Rendu syndrome; OSLER-RENDU-WEBER DISEASE; Osler hemorrhagic telangiectasia syndrome. Identifiers: Orphanet 774, MedGen C0039445, MONDO:0019180. Disease mechanism: loss of function.

Submission:

Labcorp Genetics (formerly Invitae), Labcorp
Classification: Uncertain significance for Hereditary hemorrhagic telangiectasia. Last evaluated: 2024-12-20. Review status: criteria provided, single submitter. Criteria: Invitae Variant Classification Sherloc (09022015). Collection method: clinical testing. Allele origin: germline.
Comment: This sequence change replaces valine, which is neutral and non-polar, with leucine, which is neutral and non-polar, at codon 238 of the ENG protein (p.Val238Leu). This variant is not present in population databases (gnomAD no frequency). This variant has not been reported in the literature in individuals affected with ENG-related conditions. ClinVar contains an entry for this variant (Variation ID: 2990568). Invitae Evidence Modeling of protein sequence and biophysical properties (such as structural, functional, and spatial information, amino acid conservation, physicochemical variation, residue mobility, and thermodynamic stability) indicates that this missense variant is not expected to disrupt ENG protein function with a negative predictive value of 95%. This variant disrupts the p.Val238 amino acid residue in ENG. Other variant(s) that disrupt this residue have been determined to be pathogenic (PMID: 20414677; internal data). This suggests that this residue is clinically significant, and that variants that disrupt this residue are likely to be disease-causing. In summary, the available evidence is currently insufficient to determine the role of this variant in disease. Therefore, it has been classified as a Variant of Uncertain Significance.

Literature cited by the submitters: PubMed 20414677.

NM_001114753.3(ENG):c.712G>T (p.Val238Leu)

Gene: ENG (endoglin; minus strand). Cytogenetic location: 9q34.11.
Variant type: single nucleotide variant.
Coding change: c.712G>T on transcript NM_001114753.3 (MANE Select); coding-DNA position 712, G replaced by T.
Protein change: p.Val238Leu; replaces valine 238 with leucine.
Molecular consequence: missense variant.
Genome position (GRCh38, 1-based): chr9:127,825,335, C>A on the plus strand (G>T on the coding strand, the complement: ENG is on the minus strand). VCF-style: chr9-127825335-C-A. GRCh37 (hg19) VCF-style: chr9-130587614-C-A.
Other names: c.712G>T, p.Val238Leu (NM_000118.4, NM_001406715.1); c.166G>T, p.Val56Leu (NM_001278138.2); short protein forms V238L, V56L.
Identifiers: ClinVar variation 2990568 (VCV002990568.3), dbSNP rs2539074345, ClinGen allele CA374983430.